The following is an entry in ClinVar:

NM_032447.5(FBN3):c.6641G>C (p.Gly2214Ala)

Gene: FBN3 (fibrillin 3; minus strand). Cytogenetic location: 19p13.2.
Variant type: single nucleotide variant.
Coding change: c.6641G>C on transcript NM_032447.5 (MANE Select); coding-DNA position 6641, G replaced by C.
Protein change: p.Gly2214Ala; replaces glycine 2214 with alanine.
Molecular consequence: missense variant.
Genome position (GRCh38, 1-based): chr19:8,087,190, C>G on the plus strand (G>C on the coding strand, the complement: FBN3 is on the minus strand). VCF-style: chr19-8087190-C-G. GRCh37 (hg19) VCF-style: chr19-8152074-C-G.
Other names: c.6641G>C, p.Gly2214Ala (NM_001321431.2); short protein forms G2214A.
Identifiers: ClinVar variation 2184768 (VCV002184768.4), dbSNP rs376215177, ClinGen allele CA9151187.
Genomic context (GRCh38, chr19:8,087,190, plus strand): 5'-CACGCGAAGGTACCGATGAGGTTCTTGCACTCCATGCCCCGGGCGTGGCAGTCCTGCTGA[C>G]CATCTGCACACTCGTCCACATCTTCGGATGACCAGAGACAGATGGTCAGTCAAGGCCAGG-3'
Protein context (NP_115823.3, residues 2204-2224): MCRDVDECAD[Gly2214Ala]QQDCHARGME

ClinVar aggregate classification (germline): Uncertain significance (1 of 4 stars; one submission).

Allele frequency attached by ClinVar (database versions not stated): gnomAD exomes below 0.00001; gnomAD 0.00001; TOPMed 0.00001; ExAC 0.00002; ESP Exome Variant Server 0.00008.
gnomAD v4.1: 7 of 1,602,474 alleles (0.00044%); highest among the groups gnomAD compares: South Asian, 0.0044%; no homozygotes.

Submission:

Labcorp Genetics (formerly Invitae), Labcorp
Classification: Uncertain significance. Last evaluated: 2024-01-17. Review status: criteria provided, single submitter. Criteria: Invitae Variant Classification Sherloc (09022015). Collection method: clinical testing. Allele origin: germline.
Comment: This sequence change replaces glycine, which is neutral and non-polar, with alanine, which is neutral and non-polar, at codon 2214 of the FBN3 protein (p.Gly2214Ala). This variant is present in population databases (rs376215177, gnomAD 0.01%). This variant has not been reported in the literature in individuals affected with FBN3-related conditions. ClinVar contains an entry for this variant (Variation ID: 2184768). Advanced modeling of protein sequence and biophysical properties (such as structural, functional, and spatial information, amino acid conservation, physicochemical variation, residue mobility, and thermodynamic stability) performed at Invitae indicates that this missense variant is not expected to disrupt FBN3 protein function with a negative predictive value of 80%. In summary, the available evidence is currently insufficient to determine the role of this variant in disease. Therefore, it has been classified as a Variant of Uncertain Significance.